The following is an entry in ClinVar:

ClinVar aggregate classification (germline): Pathogenic/Likely pathogenic. Review status: criteria provided, multiple submitters, no conflicts (2 of 4 stars). 2 submissions from 2 submitters: Pathogenic (1); Likely pathogenic (1). Last evaluated 2025-03-25.

Conditions:
Mucolipidosis type II. Also called: Mucolipidosis 2; ML 2; Inclusion cell disease; Leroy Disease; N-acetylglucosamine 1phosphotransferase deficiency; ML disorder type 2. Identifiers: Orphanet 576, MedGen C2673377, MONDO:0009650, OMIM 252500.
Pseudo-Hurler polydystrophy. Also called: ML IIIA; Mucolipidosis III Alpha/Beta; MUCOLIPIDOSIS IIIA; ML III; ML III ALPHA/BETA; Type III Mucolipidosis. Identifiers: Orphanet 423461, Orphanet 577, MedGen C0033788, MONDO:0018931, OMIM 252600.
GNPTAB-mucolipidosis. Also called: UDP-N-acetylglucosamine-1-phosphotransferase subunit alpha/beta deficiency. Identifiers: MedGen CN322573, MONDO:0100122.

Allele frequency attached by ClinVar (database versions not stated): gnomAD exomes below 0.00001.
gnomAD v4.1: 1 of 1,613,800 alleles (0.000062%); highest among the groups gnomAD compares: Admixed American, 0.0017%; no homozygotes.

Submissions (2):

Labcorp Genetics (formerly Invitae), Labcorp
Classification: Pathogenic for Pseudo-Hurler polydystrophy; Mucolipidosis type II. Last evaluated: 2025-03-25. Review status: criteria provided, single submitter. Criteria: Invitae Variant Classification Sherloc (09022015). Collection method: clinical testing. Allele origin: germline.
Comment: This sequence change creates a premature translational stop signal (p.Gln1181*) in the GNPTAB gene. It is expected to result in an absent or disrupted protein product. Loss-of-function variants in GNPTAB are known to be pathogenic (PMID: 19617216, 25107912). This variant is present in population databases (no rsID available, gnomAD 0.003%). This variant has not been reported in the literature in individuals affected with GNPTAB-related conditions. ClinVar contains an entry for this variant (Variation ID: 983573). For these reasons, this variant has been classified as Pathogenic.

Myriad Genetics, Inc.
Classification: Likely pathogenic for GNPTAB-mucolipidosis. Last evaluated: 2019-01-29. Review status: criteria provided, single submitter. Criteria: Myriad Autosomal Dominant, Autosomal Recessive and X-Linked Classification Criteria (2023). Collection method: clinical testing. Allele origin: unknown.
Comment: NM_024312.4(GNPTAB):c.3541C>T(Q1181*) is expected to be pathogenic in the context of GNPTAB-related disorders. This variant is predicted to lead to an abnormal or absent protein product due to the creation of a premature termination codon in GNPTAB, a gene where loss-of-function variants are known to be pathogenic. Please note: this variant was assessed in the context of healthy population screening.

Literature cited by the submitters: PubMed 19617216 (cited by Labcorp Genetics (formerly Invitae), Labcorp); PubMed 25107912 (cited by Labcorp Genetics (formerly Invitae), Labcorp).

NM_024312.5(GNPTAB):c.3541C>T (p.Gln1181Ter)

Gene: GNPTAB (N-acetylglucosamine-1-phosphate transferase subunits alpha and beta; minus strand). Cytogenetic location: 12q23.2.
Variant type: single nucleotide variant.
Coding change: c.3541C>T on transcript NM_024312.5 (MANE Select); coding-DNA position 3541, C replaced by T.
Protein change: p.Gln1181Ter; replaces glutamine 1181 with a stop codon.
Molecular consequence: nonsense.
Genome position (GRCh38, 1-based): chr12:101,753,433, G>A on the plus strand (C>T on the coding strand, the complement: GNPTAB is on the minus strand). VCF-style: chr12-101753433-G-A. GRCh37 (hg19) VCF-style: chr12-102147211-G-A.
Other names: short protein forms Q1181*.
Identifiers: ClinVar variation 983573 (VCV000983573.9), dbSNP rs1257678960, ClinGen allele CA386292354.